The following is an entry in ClinVar:

NM_014476.6(PDLIM3):c.992G>T (p.Gly331Val)

Gene: PDLIM3 (PDZ and LIM domain 3; minus strand). Cytogenetic location: 4q35.1.
Variant type: single nucleotide variant.
Coding change: c.992G>T on transcript NM_014476.6 (MANE Select); coding-DNA position 992, G replaced by T.
Protein change: p.Gly331Val; replaces glycine 331 with valine.
Molecular consequence: missense variant. On other transcripts: non-coding transcript variant (1).
Genome position (GRCh38, 1-based): chr4:185,502,397, C>A on the plus strand (G>T on the coding strand, the complement: PDLIM3 is on the minus strand). VCF-style: chr4-185502397-C-A. GRCh37 (hg19) VCF-style: chr4-186423551-C-A.
Other names: c.848G>T, p.Gly283Val (NM_001114107.5); c.728G>T, p.Gly243Val (NM_001257962.2); c.491G>T, p.Gly164Val (NM_001257963.2); short protein forms G331V, G283V, G243V, G164V.
Identifiers: ClinVar variation 405205 (VCV000405205.9), dbSNP rs1060500600, ClinGen allele CA16611619.

ClinVar aggregate classification (germline): Uncertain significance. Review status: criteria provided, multiple submitters, no conflicts (2 of 4 stars). 2 submissions from 2 submitters: Uncertain significance (2). Last evaluated 2025-02-20.

Conditions:
Hypertrophic cardiomyopathy. Also called: HYPERTROPHIC MYOCARDIOPATHY. Identifiers: Orphanet 217569, MedGen C0007194, MeSH D002312, MONDO:0005045, HP:0001639.
Primary dilated cardiomyopathy (DCM). Also called: Dilated Cardiomyopathy. Identifiers: Orphanet 217604, MedGen C0007193, MeSH D002311, MONDO:0005021, HP:0001644. Inheritance: Various modes of inheritance.

Allele frequency attached by ClinVar (database versions not stated): gnomAD exomes below 0.00001.
gnomAD v4.1: 2 of 1,614,210 alleles (0.00012%); highest among the groups gnomAD compares: Non-Finnish European, 0.00017%; no homozygotes.

Submissions (2):

Labcorp Genetics (formerly Invitae), Labcorp
Classification: Uncertain significance for Hypertrophic cardiomyopathy; Primary dilated cardiomyopathy. Last evaluated: 2025-02-20. Review status: criteria provided, single submitter. Criteria: Invitae Variant Classification Sherloc (09022015). Collection method: clinical testing. Allele origin: germline.
Comment: This sequence change replaces glycine, which is neutral and non-polar, with valine, which is neutral and non-polar, at codon 331 of the PDLIM3 protein (p.Gly331Val). This variant is present in population databases (no rsID available, gnomAD 0.0009%). This variant has not been reported in the literature in individuals affected with PDLIM3-related conditions. ClinVar contains an entry for this variant (Variation ID: 405205). Invitae Evidence Modeling of protein sequence and biophysical properties (such as structural, functional, and spatial information, amino acid conservation, physicochemical variation, residue mobility, and thermodynamic stability) indicates that this missense variant is expected to disrupt PDLIM3 protein function with a positive predictive value of 80%. Algorithms developed to predict the effect of sequence changes on RNA splicing suggest that this variant may create or strengthen a splice site. In summary, the available evidence is currently insufficient to determine the role of this variant in disease. Therefore, it has been classified as a Variant of Uncertain Significance.

Ambry Genetics
Classification: Uncertain significance. Last evaluated: 2022-10-12. Review status: criteria provided, single submitter. Criteria: Ambry Variant Classification Scheme 2023. Collection method: clinical testing. Allele origin: germline.